The following is an entry in ClinVar:

NM_014633.5(CTR9):c.3499C>T (p.His1167Tyr)

Gene: CTR9 (CTR9 component of Paf1/RNA polymerase II complex; plus strand). Cytogenetic location: 11p15.4.
Variant type: single nucleotide variant.
Coding change: c.3499C>T on transcript NM_014633.5 (MANE Select); coding-DNA position 3499, C replaced by T.
Protein change: p.His1167Tyr; replaces histidine 1167 with tyrosine.
Molecular consequence: missense variant.
Genome position (GRCh38, 1-based): chr11:10,779,082, C>T. VCF-style: chr11-10779082-C-T. GRCh37 (hg19) VCF-style: chr11-10800629-C-T.
Other names: c.3499C>T (NM_014633.4); c.3427C>T, p.His1143Tyr (NM_001346279.2); short protein forms H1143Y, H1167Y.
Identifiers: ClinVar variation 2993917 (VCV002993917.4), dbSNP rs2539398318, ClinGen allele CA379679904.

ClinVar aggregate classification (germline): Uncertain significance. Review status: criteria provided, multiple submitters, no conflicts (2 of 4 stars). 2 submissions from 2 submitters: Uncertain significance (2). Last evaluated 2023-10-25.

Submissions (2):

GeneDx
Classification: Uncertain significance. Last evaluated: 2023-10-25. Review status: criteria provided, single submitter. Criteria: GeneDx Variant Classification Process June 2021. Collection method: clinical testing. Allele origin: germline. Affected: yes.
Comment: Not observed at significant frequency in large population cohorts (gnomAD); In silico analysis supports that this missense variant does not alter protein structure/function; Has not been previously published as pathogenic or benign to our knowledge

Labcorp Genetics (formerly Invitae), Labcorp
Classification: Uncertain significance. Last evaluated: 2023-05-11. Review status: criteria provided, single submitter. Criteria: Invitae Variant Classification Sherloc (09022015). Collection method: clinical testing. Allele origin: germline.
Comment: This variant has not been reported in the literature in individuals affected with CTR9-related conditions. This sequence change replaces histidine, which is basic and polar, with tyrosine, which is neutral and polar, at codon 1167 of the CTR9 protein (p.His1167Tyr). This variant is not present in population databases (gnomAD no frequency). An algorithm developed to predict the effect of missense changes on protein structure and function (PolyPhen-2) suggests that this variant is likely to be tolerated. In summary, the available evidence is currently insufficient to determine the role of this variant in disease. Therefore, it has been classified as a Variant of Uncertain Significance.